The following is an entry in ClinVar:

NM_002439.5(MSH3):c.3248del (p.Ile1082_Leu1083insTer)

Gene: MSH3 (mutS homolog 3; plus strand). Cytogenetic location: 5q14.1.
Variant type: Deletion.
Coding change: c.3248del on transcript NM_002439.5 (MANE Select); coding-DNA position 3248, one base deleted (T; older notation c.3248delT).
Protein change: p.Ile1082_Leu1083insTer.
Molecular consequence: nonsense.
Genome position (GRCh38, 1-based): chr5:80,873,233, T deleted; the last of 4 consecutive T bases (chr5:80,873,230-80,873,233); deleting any one gives the same sequence. VCF-style (leftmost placement, unchanged base first): chr5-80873229-AT-A. GRCh37 (hg19) VCF-style: chr5-80169048-AT-A.
Identifiers: ClinVar variation 3712427 (VCV003712427.2).

ClinVar aggregate classification (germline): Pathogenic (1 of 4 stars; one submission).

Submission:

Labcorp Genetics (formerly Invitae), Labcorp
Classification: Pathogenic. Last evaluated: 2024-05-08. Review status: criteria provided, single submitter. Criteria: Invitae Variant Classification Sherloc (09022015). Collection method: clinical testing. Allele origin: germline.
Comment: This sequence change creates a premature translational stop signal (p.Leu1083*) in the MSH3 gene. It is expected to result in an absent or disrupted protein product. Loss-of-function variants in MSH3 are known to be pathogenic (PMID: 27476653, 37402566). This variant is present in population databases (no rsID available, gnomAD 0.006%). This variant has not been reported in the literature in individuals affected with MSH3-related conditions. For these reasons, this variant has been classified as Pathogenic.

Literature cited by the submitters: PubMed 27476653; PubMed 37402566.